The following is an entry in ClinVar:

NM_020975.6(RET):c.1376A>T (p.Glu459Val)

Gene: RET (ret proto-oncogene; plus strand). Cytogenetic location: 10q11.21.
Variant type: single nucleotide variant.
Coding change: c.1376A>T on transcript NM_020975.6 (MANE Select); coding-DNA position 1376, A replaced by T.
Protein change: p.Glu459Val; replaces glutamic acid 459 with valine.
Molecular consequence: missense variant.
Genome position (GRCh38, 1-based): chr10:43,111,319, A>T. VCF-style: chr10-43111319-A-T. GRCh37 (hg19) VCF-style: chr10-43606767-A-T.
Other names: c.1376A>T, p.Glu459Val (NM_000323.2, NM_001406743.1, NM_001406744.1 and 6 more transcripts); c.614A>T, p.Glu205Val (NM_001355216.2); c.1247A>T, p.Glu416Val (NM_001406761.1, NM_001406762.1, NM_001406764.1 and 1 more transcripts); c.1088A>T, p.Glu363Val (NM_001406766.1, NM_001406767.1, NM_001406770.1); c.980A>T, p.Glu327Val (NM_001406769.1, NM_001406772.1); c.938A>T, p.Glu313Val (NM_001406771.1, NM_001406773.1); c.851A>T, p.Glu284Val (NM_001406774.1); c.650A>T, p.Glu217Val (NM_001406775.1, NM_001406776.1, NM_001406777.1 and 1 more transcripts); and 1 more; short protein forms E205V, E363V, E459V, E129V, E217V, E284V, E313V, E327V.
Identifiers: ClinVar variation 1771161 (VCV001771161.2), dbSNP rs757031867, ClinGen allele CA033413.

ClinVar aggregate classification (germline): Uncertain significance (1 of 4 stars; one submission).

Conditions:
Hereditary cancer-predisposing syndrome. Also called: Hereditary Cancer Syndrome; Hereditary neoplastic syndrome; Neoplastic Syndromes, Hereditary; Tumor predisposition. Identifiers: Orphanet 140162, MedGen C0027672, MeSH D009386, MONDO:0015356.

Allele frequency attached by ClinVar (database versions not stated): ExAC 0.00001.
gnomAD v4.1: 1 of 1,614,118 alleles (0.000062%); no homozygotes.

Submission:

Ambry Genetics
Classification: Uncertain significance for Hereditary cancer-predisposing syndrome. Last evaluated: 2019-10-14. Review status: criteria provided, single submitter. Criteria: Ambry Variant Classification Scheme 2023. Collection method: clinical testing. Allele origin: germline.
Comment: The p.E459V variant (also known as c.1376A>T), located in coding exon 7 of the RET gene, results from an A to T substitution at nucleotide position 1376. The glutamic acid at codon 459 is replaced by valine, an amino acid with dissimilar properties. This amino acid position is not well conserved in available vertebrate species. In addition, the in silico prediction for this alteration is inconclusive. Since supporting evidence is limited at this time, the clinical significance of this alteration remains unclear.